The following is an entry in ClinVar:

ClinVar aggregate classification (germline): Uncertain significance (1 of 4 stars; one submission).

Allele frequency attached by ClinVar (database versions not stated): ExAC 0.00002; TOPMed 0.00003; gnomAD 0.00005; gnomAD exomes 0.00006.
gnomAD v4.1: 92 of 1,613,326 alleles (0.0057%); highest among the groups gnomAD compares: Non-Finnish European, 0.0075%; no homozygotes.

Submission:

Labcorp Genetics (formerly Invitae), Labcorp
Classification: Uncertain significance. Last evaluated: 2021-12-17. Review status: criteria provided, single submitter. Criteria: Invitae Variant Classification Sherloc (09022015). Collection method: clinical testing. Allele origin: germline.
Comment: In summary, the available evidence is currently insufficient to determine the role of this variant in disease. Therefore, it has been classified as a Variant of Uncertain Significance. Algorithms developed to predict the effect of missense changes on protein structure and function output the following: SIFT: "Tolerated"; PolyPhen-2: "Benign"; Align-GVGD: "Class C0". The valine amino acid residue is found in multiple mammalian species, which suggests that this missense change does not adversely affect protein function. This variant has not been reported in the literature in individuals affected with VPS13C-related conditions. This variant is present in population databases (rs756246486, gnomAD 0.007%). This sequence change replaces isoleucine, which is neutral and non-polar, with valine, which is neutral and non-polar, at codon 324 of the VPS13C protein (p.Ile324Val).

NM_020821.3(VPS13C):c.970A>G (p.Ile324Val)

Gene: VPS13C (vacuolar protein sorting 13 homolog C; minus strand). Cytogenetic location: 15q22.2.
Variant type: single nucleotide variant.
Coding change: c.970A>G on transcript NM_020821.3 (MANE Select); coding-DNA position 970, A replaced by G.
Protein change: p.Ile324Val; replaces isoleucine 324 with valine.
Molecular consequence: missense variant.
Genome position (GRCh38, 1-based): chr15:62,010,513, T>C on the plus strand (A>G on the coding strand, the complement: VPS13C is on the minus strand). VCF-style: chr15-62010513-T-C. GRCh37 (hg19) VCF-style: chr15-62302712-T-C.
Other names: c.970A>G, p.Ile324Val (NM_001018088.3); c.841A>G, p.Ile281Val (NM_017684.5, NM_018080.4); short protein forms I281V, I324V.
Identifiers: ClinVar variation 2178947 (VCV002178947.4), dbSNP rs756246486, ClinGen allele CA7597280.